The following is an entry in ClinVar:

NM_001868.4(CPA1):c.221C>T (p.Ala74Val)

Gene: CPA1 (carboxypeptidase A1; plus strand). Cytogenetic location: 7q32.2.
Variant type: single nucleotide variant.
Coding change: c.221C>T on transcript NM_001868.4 (MANE Select); coding-DNA position 221, C replaced by T.
Protein change: p.Ala74Val; replaces alanine 74 with valine.
Molecular consequence: missense variant.
Genome position (GRCh38, 1-based): chr7:130,381,703, C>T. VCF-style: chr7-130381703-C-T. GRCh37 (hg19) VCF-style: chr7-130021544-C-T.
Other names: short protein forms A74V.
Identifiers: ClinVar variation 1045061 (VCV001045061.12), dbSNP rs149470727, ClinGen allele CA4484733.

ClinVar aggregate classification (germline): Uncertain significance. Review status: criteria provided, multiple submitters, no conflicts (2 of 4 stars). 2 submissions from 2 submitters: Uncertain significance (2). Last evaluated 2025-03-26.

Conditions:
Hereditary pancreatitis (PCTT). Also called: Hereditary chronic pancreatitis; PRSS1-Related Hereditary Pancreatitis. Identifiers: Orphanet 676, MedGen C0238339, MONDO:0008185, OMIM 167800.

Allele frequency attached by ClinVar (database versions not stated): gnomAD 0.00001 and 0.00002; TOPMed 0.00002; ESP Exome Variant Server 0.00008.
gnomAD v4.1: 37 of 1,613,996 alleles (0.0023%); highest among the groups gnomAD compares: Non-Finnish European, 0.0028%; no homozygotes.

Submissions (2):

Ambry Genetics
Classification: Uncertain significance for Hereditary pancreatitis. Last evaluated: 2025-03-26. Review status: criteria provided, single submitter. Criteria: Ambry Variant Classification Scheme 2023. Collection method: clinical testing. Allele origin: germline.
Comment: The p.A74V variant (also known as c.221C>T), located in coding exon 3 of the CPA1 gene, results from a C to T substitution at nucleotide position 221. The alanine at codon 74 is replaced by valine, an amino acid with similar properties. This amino acid position is not well conserved in available vertebrate species. In addition, this alteration is predicted to be tolerated by in silico analysis. Since supporting evidence is limited at this time, the clinical significance of this alteration remains unclear.

Labcorp Genetics (formerly Invitae), Labcorp
Classification: Uncertain significance. Last evaluated: 2022-11-08. Review status: criteria provided, single submitter. Criteria: Invitae Variant Classification Sherloc (09022015). Collection method: clinical testing. Allele origin: germline.
Comment: In summary, the available evidence is currently insufficient to determine the role of this variant in disease. Therefore, it has been classified as a Variant of Uncertain Significance. This sequence change replaces alanine, which is neutral and non-polar, with valine, which is neutral and non-polar, at codon 74 of the CPA1 protein (p.Ala74Val). Advanced modeling of protein sequence and biophysical properties (such as structural, functional, and spatial information, amino acid conservation, physicochemical variation, residue mobility, and thermodynamic stability) performed at Invitae indicates that this missense variant is not expected to disrupt CPA1 protein function. ClinVar contains an entry for this variant (Variation ID: 1045061). This variant has not been reported in the literature in individuals affected with CPA1-related conditions. This variant is present in population databases (rs149470727, gnomAD 0.003%).